The following is an entry in ClinVar:

ClinVar aggregate classification (germline): Uncertain significance (1 of 4 stars; one submission).

Submission:

Dasa
Classification: Uncertain significance. Last evaluated: 2025-10-19. Review status: criteria provided, single submitter. Criteria: DASA Assertion Criteria. Collection method: clinical testing. Allele origin: germline.
Comment: NM_001083619.3(GRIA2):c.2569C>A (p.Pro857Thr) is a missense variant that results in the substitution of proline with threonine. This variant is absent from population databases. The currently available literature and clinical evidence are not sufficient to establish a definitive association between this variant and the reported condition. Therefore, this variant is classified as a variant of uncertain significance.

NM_001083619.3(GRIA2):c.2569C>A (p.Pro857Thr)

Gene: GRIA2 (glutamate ionotropic receptor AMPA type subunit 2; plus strand). Cytogenetic location: 4q32.1.
Variant type: single nucleotide variant.
Coding change: c.2569C>A on transcript NM_001083619.3 (MANE Select); coding-DNA position 2569, C replaced by A.
Protein change: p.Pro857Thr; replaces proline 857 with threonine.
Molecular consequence: missense variant.
Genome position (GRCh38, 1-based): chr4:157,362,961, C>A. VCF-style: chr4-157362961-C-A. GRCh37 (hg19) VCF-style: chr4-158284113-C-A.
Other names: c.2569C>A, p.Pro857Thr (NM_000826.6); c.2428C>A, p.Pro810Thr (NM_001083620.3, NM_001379000.3, NM_001379001.3); short protein forms P810T, P857T.
Identifiers: ClinVar variation 4886656 (VCV004886656.2).